The following is an entry in ClinVar:

ClinVar aggregate classification (germline): Conflicting classifications of pathogenicity. Review status: criteria provided, conflicting classifications (1 of 4 stars). 4 submissions from 4 submitters: Uncertain significance (2); Likely benign (2). Last evaluated 2024-02-09.

Conditions:
Hereditary breast ovarian cancer syndrome. Also called: Hereditary breast and ovarian cancer syndrome; Hereditary breast and ovarian cancer; Hereditary breast and ovarian cancer syndrome (HBOC); Breast and ovarian cancer; Hereditary breast and/or ovarian cancer syndrome; BRCA1- and BRCA2-Associated Hereditary Breast and Ovarian Cancer. Identifiers: Orphanet 145, MedGen C0677776, MeSH D061325, MONDO:0003582. Disease mechanism: loss of function.
Familial cancer of breast. Also called: BREAST CANCER, FAMILIAL; Hereditary breast cancer; hereditary breast carcinoma. Identifiers: Orphanet 227535, MedGen C0346153, MONDO:0016419, OMIM 114480. Disease mechanism: loss of function.
Hereditary cancer-predisposing syndrome. Also called: Neoplastic Syndromes, Hereditary; Tumor predisposition; Hereditary Cancer Syndrome; Hereditary neoplastic syndrome. Identifiers: Orphanet 140162, MedGen C0027672, MeSH D009386, MONDO:0015356.

Allele frequency attached by ClinVar (database versions not stated): TOPMed below 0.00001.
gnomAD v4.1: 2 of 1,614,030 alleles (0.00012%); highest among the groups gnomAD compares: Non-Finnish European, 0.00017%; no homozygotes.

Submissions (4):

MGZ Medical Genetics Center
Classification: Likely benign for Familial cancer of breast. Last evaluated: 2024-02-09. Review status: criteria provided, single submitter. Criteria: CSpec BRCA1/2ACMG Rules Specifications V1.1.0. Collection method: clinical testing. Allele origin: germline. Affected: yes.
Comment: ACMG codes applied following ENIGMA VCEP rules: BP1_STR, PM2_SUP

University of Washington Department of Laboratory Medicine, University of Washington
Classification: Likely benign for Hereditary cancer-predisposing syndrome. Last evaluated: 2023-03-23. Review status: criteria provided, single submitter. Criteria: Dines et al. (Genet Med. 2020). Collection method: curation. Allele origin: germline.
Comment: Missense variant in a coldspot region where missense variants are very unlikely to be pathogenic (PMID:31911673).

BRCA1 coldspot (exon 11 using historical exon numbering). Reclassification based on statistical prior probability

Labcorp Genetics (formerly Invitae), Labcorp
Classification: Uncertain significance for Hereditary breast ovarian cancer syndrome. Last evaluated: 2020-12-20. Review status: criteria provided, single submitter. Criteria: Invitae Variant Classification Sherloc (09022015). Collection method: clinical testing. Allele origin: germline.
Comment: In summary, the available evidence is currently insufficient to determine the role of this variant in disease. Therefore, it has been classified as a Variant of Uncertain Significance. Advanced modeling of protein sequence and biophysical properties (such as structural, functional, and spatial information, amino acid conservation, physicochemical variation, residue mobility, and thermodynamic stability) performed at Invitae indicates that this missense variant is not expected to disrupt BRCA1 protein function. This variant has not been reported in the literature in individuals with BRCA1-related conditions. ClinVar contains an entry for this variant (Variation ID: 482938). This variant is not present in population databases (ExAC no frequency). This sequence change replaces histidine with leucine at codon 888 of the BRCA1 protein (p.His888Leu). The histidine residue is moderately conserved and there is a moderate physicochemical difference between histidine and leucine.

Ambry Genetics
Classification: Uncertain significance for Hereditary cancer-predisposing syndrome. Last evaluated: 2017-03-20. Review status: criteria provided, single submitter. Criteria: Ambry Variant Classification Scheme 2023. Collection method: clinical testing. Allele origin: germline.
Comment: The p.H888L variant (also known as c.2663A>T), located in coding exon 9 of the BRCA1 gene, results from an A to T substitution at nucleotide position 2663. The histidine at codon 888 is replaced by leucine, an amino acid with similar properties. This amino acid position is poorly conserved in available vertebrate species. In addition, the in silico prediction for this alteration is inconclusive. Since supporting evidence is limited at this time, the clinical significance of this alteration remains unclear.

NM_007294.4(BRCA1):c.2663A>T (p.His888Leu)

Gene: BRCA1 (BRCA1 DNA repair associated; minus strand). Cytogenetic location: 17q21.31.
Variant type: single nucleotide variant.
Coding change: c.2663A>T on transcript NM_007294.4 (MANE Select); coding-DNA position 2663, A replaced by T.
Protein change: p.His888Leu; replaces histidine 888 with leucine.
Molecular consequence: missense variant. On other transcripts: intron variant (137).
Genome position (GRCh38, 1-based): chr17:43,092,868, T>A on the plus strand (A>T on the coding strand, the complement: BRCA1 is on the minus strand). VCF-style: chr17-43092868-T-A. GRCh37 (hg19) VCF-style: chr17-41244885-T-A.
Other names: c.2522A>T, p.His841Leu (NM_001407735.1, NM_001407736.1, NM_001407737.1 and 29 more transcripts); c.2519A>T, p.His840Leu (NM_001407740.1, NM_001407741.1, NM_001407742.1 and 20 more transcripts); c.2450A>T, p.His817Leu (NM_001407571.1, NM_001407853.1, NM_001407894.1 and 9 more transcripts); c.2663A>T, p.His888Leu (NM_001407581.1, NM_001407582.1, NM_001407583.1 and 30 more transcripts); c.2660A>T, p.His887Leu (NM_001407587.1, NM_001407590.1, NM_001407591.1 and 22 more transcripts); c.2462A>T, p.His821Leu (NM_001407862.1); c.2540A>T, p.His847Leu (NM_001407863.1, NM_001407919.1, NM_001407648.1 and 19 more transcripts); c.2459A>T, p.His820Leu (NM_001407874.1, NM_001407875.1); and 41 more; short protein forms H888L, H841L, H760L, H777L, H820L, H840L, H847L, H887L.
Identifiers: ClinVar variation 482938 (VCV000482938.18), dbSNP rs876658843, ClinGen allele CA10596669.
Genomic context (GRCh38, chr17:43,092,868, plus strand): 5'-TCTTCCTTTTGTTCACATTCAAAAGTGACTTTTGGACTTTGTTTCTTTAAGGACCCAGAG[T>A]GGGCAGAGAATGTTGCACATTCCTCTTCTGCATTTCCTGGATTTGAAAACGGAGCAAATG-3'
Protein context (NP_009225.1, residues 878-898): AEEECATFSA[His888Leu]SGSLKKQSPK